The following is an entry in ClinVar:

NM_001232.4(CASQ2):c.234+10789C>T

Gene: CASQ2 (calsequestrin 2; minus strand). Cytogenetic location: 1p13.1.
Variant type: single nucleotide variant.
Coding change: c.234+10789C>T on transcript NM_001232.4 (MANE Select); 10789 bases into the intron after coding-DNA position 234, C replaced by T.
Molecular consequence: intron variant.
Genome position (GRCh38, 1-based): chr1:115,757,519, G>A on the plus strand (C>T on the coding strand, the complement: CASQ2 is on the minus strand). VCF-style: chr1-115757519-G-A. GRCh37 (hg19) VCF-style: chr1-116300140-G-A.
Identifiers: ClinVar variation 3771970 (VCV003771970.13).

ClinVar aggregate classification (germline): Benign (1 of 4 stars; one submission).

gnomAD v4.1: 1,004 of 152,212 alleles (0.66%); highest among the groups gnomAD compares: Non-Finnish European, 1.2%; 3 homozygotes.

Submission:

CeGaT Center for Human Genetics Tuebingen
Classification: Benign. Last evaluated: 2026-09-01. Review status: criteria provided, single submitter. Criteria: CeGaT Center For Human Genetics Tuebingen Variant Classification Criteria Version 2. Collection method: clinical testing. Allele origin: germline. Affected: yes. Observed: 14 variant alleles.
Comment: CASQ2: BS1, BS2